The following is an entry in ClinVar:

NM_198271.5(LMOD3):c.1473_1475del (p.Arg492del)

Gene: LMOD3 (leiomodin 3; minus strand). Cytogenetic location: 3p14.1.
Variant type: Deletion.
Coding change: c.1473_1475del on transcript NM_198271.5 (MANE Select); coding-DNA positions 1473 to 1475, 3 bases deleted (GAG; older notation c.1473_1475delGAG).
Protein change: p.Arg492del; deletes arginine 492.
Molecular consequence: inframe deletion.
Genome position (GRCh38, 1-based): chr3:69,118,880-69,118,882, CTC deleted on the plus strand (GAG on the coding strand, the reverse complement: LMOD3 is on the minus strand). VCF-style (leftmost placement, unchanged base first): chr3-69118879-TCTC-T. GRCh37 (hg19) VCF-style: chr3-69168030-TCTC-T.
Other names: c.1473_1475del, p.Arg492del (NM_001304418.3); short protein forms R492del.
Identifiers: ClinVar variation 1479124 (VCV001479124.6), dbSNP rs752216316, ClinGen allele CA2488766.

ClinVar aggregate classification (germline): Uncertain significance (1 of 4 stars; one submission).

Conditions:
Nemaline myopathy 10 (NEM10). Identifiers: MedGen C4015360, MONDO:0014513, OMIM 616165.

Allele frequency attached by ClinVar (database versions not stated): ExAC 0.00001; gnomAD 0.00001; gnomAD exomes 0.00001 and 0.00002; TOPMed 0.00001.

Submission:

Labcorp Genetics (formerly Invitae), Labcorp
Classification: Uncertain significance for Nemaline myopathy 10. Last evaluated: 2022-08-03. Review status: criteria provided, single submitter. Criteria: Invitae Variant Classification Sherloc (09022015). Collection method: clinical testing. Allele origin: germline.
Comment: ClinVar contains an entry for this variant (Variation ID: 1479124). Experimental studies and prediction algorithms are not available or were not evaluated, and the functional significance of this variant is currently unknown. In summary, the available evidence is currently insufficient to determine the role of this variant in disease. Therefore, it has been classified as a Variant of Uncertain Significance. This variant, c.1473_1475del, results in the deletion of 1 amino acid(s) of the LMOD3 protein (p.Arg492del), but otherwise preserves the integrity of the reading frame. This variant is present in population databases (rs752216316, gnomAD 0.02%). This variant has not been reported in the literature in individuals affected with LMOD3-related conditions.